The following is an entry in ClinVar:

ClinVar aggregate classification (germline): Conflicting classifications of pathogenicity. Review status: criteria provided, conflicting classifications (1 of 4 stars). 2 submissions from 2 submitters: Uncertain significance (1); Likely benign (1). Last evaluated 2025-01-28.

Conditions:
CHARGE syndrome (CHARGE). Also called: Coloboma, heart anomaly, choanal atresia, retardation, genital and ear anomalies; CHARGE association; Hall-Hittner syndrome; Hittner Hirsch Kreh syndrome; CHARGE ASSOCIATION--COLOBOMA, HEART ANOMALY, CHOANAL ATRESIA, RETARDATION, GENITAL AND EAR ANOMALIES. Identifiers: Orphanet 138, MedGen C0265354, MONDO:0008965.

Allele frequency attached by ClinVar (database versions not stated): gnomAD 0.00001; TOPMed 0.00001; ExAC 0.00003; ESP Exome Variant Server 0.00008.
gnomAD v4.1: 22 of 1,611,214 alleles (0.0014%); highest among the groups gnomAD compares: Middle Eastern, 0.016%; no homozygotes.

Submissions (2):

Labcorp Genetics (formerly Invitae), Labcorp
Classification: Likely benign for CHARGE syndrome. Last evaluated: 2025-01-28. Review status: criteria provided, single submitter. Criteria: Invitae Variant Classification Sherloc (09022015). Collection method: clinical testing. Allele origin: germline.

GeneDx
Classification: Uncertain significance. Last evaluated: 2021-11-19. Review status: criteria provided, single submitter. Criteria: GeneDx Variant Classification Process June 2021. Collection method: clinical testing. Allele origin: germline. Affected: yes.
Comment: Has not been previously published as pathogenic or benign to our knowledge; In-silico analysis is inconclusive as to whether the variant alters gene splicing. In the absence of RNA/functional studies, the actual effect of this sequence change is unknown.

NM_017780.4(CHD7):c.3202-7C>G

Gene: CHD7 (chromodomain helicase DNA binding protein 7; plus strand). Cytogenetic location: 8q12.2.
Variant type: single nucleotide variant.
Coding change: c.3202-7C>G on transcript NM_017780.4 (MANE Select); 7 bases into the intron before coding-DNA position 3202, C replaced by G.
Molecular consequence: intron variant.
Genome position (GRCh38, 1-based): chr8:60,823,833, C>G. VCF-style: chr8-60823833-C-G. GRCh37 (hg19) VCF-style: chr8-61736392-C-G.
Other names: c.1717-38396C>G (NM_001316690.1).
Identifiers: ClinVar variation 1686733 (VCV001686733.5), dbSNP rs376893919, ClinGen allele CA4759915.